The following is an entry in ClinVar:

NM_004370.6(COL12A1):c.7629G>T (p.Glu2543Asp)

Gene: COL12A1 (collagen type XII alpha 1 chain; minus strand). Cytogenetic location: 6q13.
Variant type: single nucleotide variant.
Coding change: c.7629G>T on transcript NM_004370.6 (MANE Select); coding-DNA position 7629, G replaced by T.
Protein change: p.Glu2543Asp; replaces glutamic acid 2543 with aspartic acid.
Molecular consequence: missense variant.
Genome position (GRCh38, 1-based): chr6:75,115,852, C>A on the plus strand (G>T on the coding strand, the complement: COL12A1 is on the minus strand). VCF-style: chr6-75115852-C-A. GRCh37 (hg19) VCF-style: chr6-75825568-C-A.
Other names: c.7629G>T, p.Glu2543Asp (NM_001424113.1); c.7608G>T, p.Glu2536Asp (NM_001424114.1); c.7356G>T, p.Glu2452Asp (NM_001424115.1); c.4137G>T, p.Glu1379Asp (NM_001424116.1, NM_080645.3); short protein forms E1379D, E2452D, E2536D, E2543D.
Identifiers: ClinVar variation 4853733 (VCV004853733.1).
Genomic context (GRCh38, chr6:75,115,852, plus strand): 5'-CTGATTCACAAACGCATTCTTCTGAATCCTGTATGCTGAGTAGCTGGGGAAAGACCCTGA[C>A]TCCAAAGATACTCCTTGTACAGAAGCAAAATTCTTTTCTGTCAGGTTGTATGCTTCAAGC-3'
Protein context (NP_004361.3, residues 2533-2553): NFASVQGVSL[Glu2543Asp]SGSFPSYSAY

ClinVar aggregate classification (germline): Uncertain significance (1 of 4 stars; one submission).

gnomAD v4.1: 1 of 1,613,676 alleles (0.000062%); highest among the groups gnomAD compares: South Asian, 0.0011%; no homozygotes.

Submission:

Women's Health and Genetics/Laboratory Corporation of America, LabCorp
Classification: Uncertain significance. Last evaluated: 2026-05-21. Review status: criteria provided, single submitter. Criteria: LabCorp Variant Classification Summary - May 2015. Collection method: clinical testing. Allele origin: germline.
Comment: Variant summary: COL12A1 c.7629G>T (p.Glu2543Asp) results in a conservative amino acid change in the encoded protein sequence. Algorithms developed to predict the effect of missense changes on protein structure and function are either unavailable or do not agree on the potential impact of this missense change. The variant allele was found at a frequency of 4e-06 in 248702 control chromosomes. The available data on variant occurrences in the general population are insufficient to allow any conclusion about variant significance. To our knowledge, no occurrence of c.7629G>T in individuals affected with COL12A1-related conditions and no experimental evidence demonstrating its impact on protein function have been reported. No submitters have cited clinical-significance assessments for this variant to ClinVar. Based on the evidence outlined above, the variant was classified as uncertain significance.